The following is an entry in ClinVar:

ClinVar aggregate classification (germline): Uncertain significance (1 of 4 stars; one submission).

Submission:

Labcorp Genetics (formerly Invitae), Labcorp
Classification: Uncertain significance. Last evaluated: 2022-11-12. Review status: criteria provided, single submitter. Criteria: Invitae Variant Classification Sherloc (09022015). Collection method: clinical testing. Allele origin: germline.
Comment: In summary, the available evidence is currently insufficient to determine the role of this variant in disease. Therefore, it has been classified as a Variant of Uncertain Significance. This sequence change replaces glycine, which is neutral and non-polar, with valine, which is neutral and non-polar, at codon 304 of the COL9A2 protein (p.Gly304Val). This variant is not present in population databases (gnomAD no frequency). This variant has not been reported in the literature in individuals affected with COL9A2-related conditions. Advanced modeling of protein sequence and biophysical properties (such as structural, functional, and spatial information, amino acid conservation, physicochemical variation, residue mobility, and thermodynamic stability) performed at Invitae indicates that this missense variant is expected to disrupt COL9A2 protein function.

NM_001852.4(COL9A2):c.911G>T (p.Gly304Val)

Gene: COL9A2 (collagen type IX alpha 2 chain; minus strand). Cytogenetic location: 1p34.2.
Variant type: single nucleotide variant.
Coding change: c.911G>T on transcript NM_001852.4 (MANE Select); coding-DNA position 911, G replaced by T.
Protein change: p.Gly304Val; replaces glycine 304 with valine.
Molecular consequence: missense variant.
Genome position (GRCh38, 1-based): chr1:40,307,746, C>A on the plus strand (G>T on the coding strand, the complement: COL9A2 is on the minus strand). VCF-style: chr1-40307746-C-A. GRCh37 (hg19) VCF-style: chr1-40773418-C-A.
Other names: short protein forms G304V.
Identifiers: ClinVar variation 2813877 (VCV002813877.3), dbSNP rs1410311258, ClinGen allele CA339852704.